The following is an entry in ClinVar:

ClinVar aggregate classification (germline): Conflicting classifications of pathogenicity. Review status: criteria provided, conflicting classifications (1 of 4 stars). 7 submissions from 6 submitters: Uncertain significance (4); Benign (1); Likely benign (1). 1 of the submissions does not count toward it. Last evaluated 2026-01-28.

Conditions:
AIPL1-related disorder. Also called: AIPL1-related disorders; AIPL1-related condition. Identifiers: MedGen CN239169.
Retinal dystrophy. Also called: Inherited retinal dystrophy. Identifiers: Orphanet 71862, MedGen C0854723, MeSH D058499, MONDO:0019118, HP:0000556.
Retinitis pigmentosa (RP). Identifiers: Orphanet 791, MedGen C0035334, MeSH D012174, MONDO:0019200, OMIM 268000. Inheritance: Autosomal dominant, autosomal recessive and X linked inheritance.
Leber congenital amaurosis 4 (LCA4). Identifiers: MedGen C1858386, MONDO:0011458, OMIM 604393.

Allele frequency attached by ClinVar (database versions not stated): 1000 Genomes Project 0.00060; TOPMed 0.00083; gnomAD exomes 0.00164 and 0.00172; 1000 Genomes Project 30x 0.00047; gnomAD 0.00138 and 0.00132; ESP Exome Variant Server 0.00092; ExAC 0.00188.

Submissions (7):

Labcorp Genetics (formerly Invitae), Labcorp
Classification: Benign for Leber congenital amaurosis 4. Last evaluated: 2026-01-28. Review status: criteria provided, single submitter. Criteria: Invitae Variant Classification Sherloc (09022015). Collection method: clinical testing. Allele origin: germline.

Blueprint Genetics
Classification: Likely benign. Last evaluated: 2024-10-31. Review status: criteria provided, single submitter. Criteria: ACMG Guidelines, 2015. Collection method: clinical testing. Allele origin: germline.

Institute of Human Genetics, Univ. Regensburg, Univ. Regensburg
Classification: Uncertain significance for Retinal dystrophy. Last evaluated: 2022-01-01. Review status: criteria provided, single submitter. Criteria: ACMG Guidelines, 2015. Collection method: clinical testing. Allele origin: germline. Affected: yes.

Illumina Laboratory Services, Illumina
Classification: Uncertain significance for Retinitis pigmentosa. Last evaluated: 2017-04-27. Review status: criteria provided, single submitter. Criteria: ICSL Variant Classification Criteria 13 December 2019. Collection method: clinical testing. Allele origin: germline.

Illumina Laboratory Services, Illumina
Classification: Uncertain significance for Leber congenital amaurosis 4. Last evaluated: 2017-04-27. Review status: criteria provided, single submitter. Criteria: ICSL Variant Classification Criteria 13 December 2019. Collection method: clinical testing. Allele origin: germline.
Comment: This variant was observed as part of a predisposition screen in an ostensibly healthy population. A literature search was performed for the gene, cDNA change, and amino acid change (where applicable). Publications were found based on this search. However, the evidence from the literature, in combination with allele frequency data from public databases where available, was not sufficient to rule this variant in or out of causing disease. Therefore, this variant is classified as a variant of unknown significance.

Eurofins Ntd Llc (ga)
Classification: Uncertain significance. Last evaluated: 2013-08-30. Review status: criteria provided, single submitter. Criteria: EGL Classification Definitions 2015. Collection method: clinical testing. Allele origin: germline. Observed: 2 variant alleles, 2 heterozygotes.

PreventionGenetics, part of Exact Sciences
Classification: Likely benign for AIPL1-related condition. Last evaluated: 2024-08-16. Review status: no assertion criteria provided. Collection method: clinical testing. Allele origin: germline. Not counted in ClinVar's aggregate classification.
Comment: This variant is classified as likely benign based on ACMG/AMP sequence variant interpretation guidelines (Richards et al. 2015 PMID: 25741868, with internal and published modifications).

Literature cited by the submitters: PubMed 12881340 (cited by 3 submitters); PubMed 3442652 (cited by Institute of Human Genetics, Univ. Regensburg, Univ. Regensburg); PubMed 18408180 (cited by Illumina Laboratory Services, Illumina); PubMed 16052170 (cited by Illumina Laboratory Services, Illumina).

NM_014336.5(AIPL1):c.244C>T (p.His82Tyr)

Gene: AIPL1 (AIP like 1 HSP90 co-chaperone; minus strand). Cytogenetic location: 17p13.2.
Variant type: single nucleotide variant.
Coding change: c.244C>T on transcript NM_014336.5 (MANE Select); coding-DNA position 244, C replaced by T.
Protein change: p.His82Tyr; replaces histidine 82 with tyrosine.
Molecular consequence: missense variant. On other transcripts: intron variant (1).
Genome position (GRCh38, 1-based): chr17:6,433,951, G>A on the plus strand (C>T on the coding strand, the complement: AIPL1 is on the minus strand). VCF-style: chr17-6433951-G-A. GRCh37 (hg19) VCF-style: chr17-6337271-G-A.
Other names: c.244C>T, p.His82Tyr (NM_001033054.3, NM_001285401.3, NM_001285403.4); c.208C>T, p.His70Tyr (NM_001285399.3); c.178C>T, p.His60Tyr (NM_001285400.3); c.127C>T, p.His43Tyr (NM_001285402.2); c.96+1058C>T (NM_001033055.3); c.244C>T (NM_014336.4); short protein forms H82Y, H43Y, H60Y, H70Y.
Identifiers: ClinVar variation 95581 (VCV000095581.22), dbSNP rs144822294, ClinGen allele CA223111.